The following is an entry in ClinVar:

ClinVar aggregate classification (germline): Uncertain significance (1 of 4 stars; one submission).

Conditions:
Hereditary pheochromocytoma and paraganglioma. Also called: Hereditary paragangliomas and pheochromocytomas; Hereditary Paraganglioma-Pheochromocytoma Syndromes; Hereditary pheochromocytoma-paraganglioma. Identifiers: Orphanet 29072, MedGen C4274332, MONDO:0017366.

gnomAD v4.1: 1 of 1,518,984 alleles (0.000066%); highest among the groups gnomAD compares: Admixed American, 0.002%; no homozygotes.

Submission:

Labcorp Genetics (formerly Invitae), Labcorp
Classification: Uncertain significance for Hereditary pheochromocytoma and paraganglioma. Last evaluated: 2025-02-21. Review status: criteria provided, single submitter. Criteria: Invitae Variant Classification Sherloc (09022015). Collection method: clinical testing. Allele origin: germline.
Comment: This sequence change replaces serine, which is neutral and polar, with asparagine, which is neutral and polar, at codon 17 of the TMEM127 protein (p.Ser17Asn). This variant is present in population databases (no rsID available, gnomAD 0.005%). This variant has not been reported in the literature in individuals affected with TMEM127-related conditions. An algorithm developed to predict the effect of missense changes on protein structure and function outputs the following: PolyPhen-2: "Benign". The asparagine amino acid residue is found in multiple mammalian species, which suggests that this missense change does not adversely affect protein function. In summary, the available evidence is currently insufficient to determine the role of this variant in disease. Therefore, it has been classified as a Variant of Uncertain Significance.

NM_017849.4(TMEM127):c.50G>A (p.Ser17Asn)

Genes: TMEM127 (transmembrane protein 127; minus strand), LOC129934333 (ATAC-STARR-seq lymphoblastoid silent region 11759; plus strand). Cytogenetic location: 2q11.2.
Variant type: single nucleotide variant.
Coding change: c.50G>A on transcript NM_017849.4 (MANE Select); coding-DNA position 50, G replaced by A.
Protein change: p.Ser17Asn; replaces serine 17 with asparagine.
Molecular consequence: missense variant. On other transcripts: intron variant (1).
Genome position (GRCh38, 1-based): chr2:96,265,332, C>T on the plus strand (G>A on the coding strand, the complement: TMEM127 is on the minus strand). VCF-style: chr2-96265332-C-T. GRCh37 (hg19) VCF-style: chr2-96931070-C-T.
Other names: c.50G>A, p.Ser17Asn (NM_001193304.3); c.-9+537G>A (NM_001407283.1); short protein forms S17N.
Identifiers: ClinVar variation 3663469 (VCV003663469.2).
Genomic context (GRCh38, chr2:96,265,332, plus strand): 5'-CCAGGCAGGGCCGAGGCCAGGCTACGCTCCGGCTGCTTGGGCAGAGCGCTGCCTCCCGGG[C>T]TCCTCCGCCGGCGCCCGCCGGGCAGCCCTGCGCCTCCGGGGGCGTACATGCCCGGGGCCG-3'
Protein context (NP_060319.1, residues 7-27): AGLPGGRRRR[Ser17Asn]PGGSALPKQP